The following is an entry in ClinVar:

ClinVar aggregate classification (germline): Pathogenic (1 of 4 stars; one submission).

Submission:

Labcorp Genetics (formerly Invitae), Labcorp
Classification: Pathogenic. Last evaluated: 2021-03-13. Review status: criteria provided, single submitter. Criteria: Invitae Variant Classification Sherloc (09022015). Collection method: clinical testing. Allele origin: germline.
Comment: For these reasons, this variant has been classified as Pathogenic. Algorithms developed to predict the effect of sequence changes on RNA splicing suggest that this variant may create or strengthen a splice site, but this prediction has not been confirmed by published transcriptional studies. This variant has been observed in individual(s) with recessive dystrophic epidermolysis bullosa (PMID: 19681861). This variant is not present in population databases (ExAC no frequency). This sequence change creates a premature translational stop signal (p.Trp989*) in the COL7A1 gene. It is expected to result in an absent or disrupted protein product. Loss-of-function variants in COL7A1 are known to be pathogenic (PMID: 16971478).

Literature cited by the submitters: PubMed 19681861; PubMed 16971478.

NM_000094.4(COL7A1):c.2966G>A (p.Trp989Ter)

Gene: COL7A1 (collagen type VII alpha 1 chain; minus strand). Cytogenetic location: 3p21.31.
Variant type: single nucleotide variant.
Coding change: c.2966G>A on transcript NM_000094.4 (MANE Select); coding-DNA position 2966, G replaced by A.
Protein change: p.Trp989Ter; replaces tryptophan 989 with a stop codon.
Molecular consequence: nonsense.
Genome position (GRCh38, 1-based): chr3:48,587,446, C>T on the plus strand (G>A on the coding strand, the complement: COL7A1 is on the minus strand). VCF-style: chr3-48587446-C-T. GRCh37 (hg19) VCF-style: chr3-48624879-C-T.
Other names: short protein forms W989*.
Identifiers: ClinVar variation 1458612 (VCV001458612.8), dbSNP rs2107757088, ClinGen allele CA352713993.
Genomic context (GRCh38, chr3:48,587,446, plus strand): 5'-TGCCAGCCCACCCAAATCCTGGCCTCCCCCTCACCCTGGCCAGGGCCTCTGAGTGGCCGC[C>T]AGGATAGGATGTAGCTGGATGCCCTGGACACTGGAGTCCAGGCCAAAGTCACCGAGTCGA-3'